The following is an entry in ClinVar:

ClinVar aggregate classification (germline): Uncertain significance (1 of 4 stars; one submission).

Allele frequency attached by ClinVar (database versions not stated): gnomAD exomes 0.00001.
gnomAD v4.1: 12 of 1,536,538 alleles (0.00078%); highest among the groups gnomAD compares: Non-Finnish European, 0.001%; no homozygotes.

Submission:

CeGaT Center for Human Genetics Tuebingen
Classification: Uncertain significance. Last evaluated: 2023-12-01. Review status: criteria provided, single submitter. Criteria: CeGaT Center For Human Genetics Tuebingen Variant Classification Criteria Version 2. Collection method: clinical testing. Allele origin: germline. Affected: yes. Observed: 1 variant allele.
Comment: ZFHX2: PM2, BP4

NM_033400.3(ZFHX2):c.3842C>G (p.Thr1281Ser)

Genes: THTPA (thiamine triphosphatase; plus strand), ZFHX2 (zinc finger homeobox 2; minus strand). Cytogenetic location: 14q11.2.
Variant type: single nucleotide variant.
Coding change: c.3842C>G on transcript NM_033400.3 (MANE Select); coding-DNA position 3842, C replaced by G.
Protein change: p.Thr1281Ser; replaces threonine 1281 with serine.
Molecular consequence: missense variant.
Genome position (GRCh38, 1-based): chr14:23,526,100, G>C on the plus strand (C>G on the coding strand, the complement: ZFHX2 is on the minus strand). VCF-style: chr14-23526100-G-C. GRCh37 (hg19) VCF-style: chr14-23995309-G-C.
Other names: short protein forms T1281S.
Identifiers: ClinVar variation 3026124 (VCV003026124.22), dbSNP rs2502007804, ClinGen allele CA389032423.
Genomic context (GRCh38, chr14:23,526,100, plus strand): 5'-TCTGTCTCGCCTTCCTTGGGCTCTTCTTGGCTGCGTTCTGGCCCTTCAATCTTGGAATCA[G>C]TCTTGGTTCCCCGAGAGCGAGTCTGATGCAGAACTGACCGCATGTGGATCTCCAGGGTGG-3'
Protein context (NP_207646.2, residues 1271-1291): LHQTRSRGTK[Thr1281Ser]DSKIEGPERS